The following is an entry in ClinVar:

NM_001283009.2(RTEL1):c.2684G>A (p.Arg895Lys)

Genes: RTEL1 (regulator of telomere elongation helicase 1; plus strand), RTEL1-TNFRSF6B (RTEL1-TNFRSF6B readthrough (NMD candidate); plus strand). Cytogenetic location: 20q13.33.
Variant type: single nucleotide variant.
Coding change: c.2684G>A on transcript NM_001283009.2 (MANE Select); coding-DNA position 2684, G replaced by A.
Protein change: p.Arg895Lys; replaces arginine 895 with lysine.
Molecular consequence: missense variant. On other transcripts: non-coding transcript variant (1).
Genome position (GRCh38, 1-based): chr20:63,692,836, G>A. VCF-style: chr20-63692836-G-A. GRCh37 (hg19) VCF-style: chr20-62324189-G-A.
Other names: c.2015G>A, p.Arg672Lys (NM_001283010.1); c.2684G>A, p.Arg895Lys (NM_016434.4); c.2756G>A, p.Arg919Lys (NM_032957.5); short protein forms R919K, R672K, R895K.
Identifiers: ClinVar variation 1420372 (VCV001420372.6), dbSNP rs150564915, ClinGen allele CA409682832.

ClinVar aggregate classification (germline): Uncertain significance. Review status: criteria provided, multiple submitters, no conflicts (2 of 4 stars). 2 submissions from 2 submitters: Uncertain significance (2). Last evaluated 2025-01-06.

Conditions:
Inborn genetic diseases. Identifiers: MedGen C0950123, MeSH D030342.
Pulmonary fibrosis and/or bone marrow failure, Telomere-related, 3. Also called: PULMONARY FIBROSIS AND/OR BONE MARROW FAILURE SYNDROME, TELOMERE-RELATED, 3. Identifiers: Orphanet 2032, MedGen C4225346, MONDO:0014613, OMIM 616373.
Dyskeratosis congenita, autosomal recessive 5 (DKCB5). Identifiers: MedGen C3554656, MONDO:0014076, OMIM 615190.

Submissions (2):

Ambry Genetics
Classification: Uncertain significance for Inborn genetic diseases. Last evaluated: 2025-01-06. Review status: criteria provided, single submitter. Criteria: Ambry Variant Classification Scheme 2023. Collection method: clinical testing. Allele origin: germline.
Comment: The p.R895K variant (also known as c.2684G>A), located in coding exon 28 of the RTEL1 gene, results from a G to A substitution at nucleotide position 2684. The arginine at codon 895 is replaced by lysine, an amino acid with highly similar properties. This amino acid position is conserved. In addition, this alteration is predicted to be tolerated by in silico analysis. Based on the available evidence, the clinical significance of this variant remains unclear.

Labcorp Genetics (formerly Invitae), Labcorp
Classification: Uncertain significance for Dyskeratosis congenita, autosomal recessive 5; Pulmonary fibrosis and/or bone marrow failure, Telomere-related, 3. Last evaluated: 2022-03-05. Review status: criteria provided, single submitter. Criteria: Invitae Variant Classification Sherloc (09022015). Collection method: clinical testing. Allele origin: germline.
Comment: This sequence change replaces arginine, which is basic and polar, with lysine, which is basic and polar, at codon 895 of the RTEL1 protein (p.Arg895Lys). This variant is not present in population databases (gnomAD no frequency). This variant has not been reported in the literature in individuals affected with RTEL1-related conditions. Algorithms developed to predict the effect of missense changes on protein structure and function output the following: SIFT: "Tolerated"; PolyPhen-2: "Benign"; Align-GVGD: "Class C0". The lysine amino acid residue is found in multiple mammalian species, which suggests that this missense change does not adversely affect protein function. In summary, the available evidence is currently insufficient to determine the role of this variant in disease. Therefore, it has been classified as a Variant of Uncertain Significance.